The following is an entry in ClinVar:

NM_001042492.3(NF1):c.4724+1G>C

Gene: NF1 (neurofibromin 1; plus strand). Cytogenetic location: 17q11.2.
Variant type: single nucleotide variant.
Coding change: c.4724+1G>C on transcript NM_001042492.3 (MANE Select); the canonical splice donor site of the intron after coding-DNA position 4724, G replaced by C.
Molecular consequence: splice donor variant.
Genome position (GRCh38, 1-based): chr17:31,261,858, G>C. VCF-style: chr17-31261858-G-C. GRCh37 (hg19) VCF-style: chr17-29588876-G-C.
Other names: IVS27DS, G-C, +1; c.4661+1G>C (NM_000267.4).
Identifiers: ClinVar variation 374 (VCV000000374.4), dbSNP rs1555619056, ClinGen allele CA399000692.

ClinVar aggregate classification (germline): Pathogenic/Likely pathogenic. Review status: criteria provided, multiple submitters, no conflicts (2 of 4 stars). 3 submissions from 3 submitters: Pathogenic (1); Likely pathogenic (1). 1 of the submissions does not count toward it. Last evaluated 2024-11-26.

Conditions:
Neurofibromatosis, type 1 (NF1). Also called: VON RECKLINGHAUSEN DISEASE; NEUROFIBROMATOSIS, TYPE I, SOMATIC; Peripheral type neurofibromatosis; Neurofibromatosis, type I. Identifiers: Orphanet 636, MedGen C0027831, MONDO:0018975, OMIM 162200. Disease mechanism: loss of function.

Submissions (3):

Labcorp Genetics (formerly Invitae), Labcorp
Classification: Pathogenic for Neurofibromatosis, type 1. Last evaluated: 2024-11-26. Review status: criteria provided, single submitter. Criteria: Invitae Variant Classification Sherloc (09022015). Collection method: clinical testing. Allele origin: germline.
Comment: This sequence change affects a donor splice site in intron 34 of the NF1 gene. It is expected to disrupt RNA splicing. Variants that disrupt the donor or acceptor splice site typically lead to a loss of protein function (PMID: 16199547), and loss-of-function variants in NF1 are known to be pathogenic (PMID: 10712197, 23913538). This variant is not present in population databases (gnomAD no frequency). Disruption of this splice site has been observed in individual(s) with neurofibromatosis type 1 (internal data). ClinVar contains an entry for this variant (Variation ID: 374). Algorithms developed to predict the effect of sequence changes on RNA splicing suggest that this variant may disrupt the consensus splice site. For these reasons, this variant has been classified as Pathogenic.

Mayo Clinic Laboratories, Mayo Clinic
Classification: Likely pathogenic. Last evaluated: 2023-07-17. Review status: criteria provided, single submitter. Criteria: ACMG Guidelines, 2015. Collection method: clinical testing. Allele origin: germline. Observed: 4 variant alleles.
Comment: PP4, PM2_moderate, PVS1_strong

OMIM
Classification: Pathogenic for NEUROFIBROMATOSIS, TYPE I. Last evaluated: 2009-06-01. Review status: no assertion criteria provided. Collection method: literature only. Allele origin: germline. Not counted in ClinVar's aggregate classification.

Literature cited by the submitters: PubMed 16199547 (cited by Labcorp Genetics (formerly Invitae), Labcorp); PubMed 10712197 (cited by Labcorp Genetics (formerly Invitae), Labcorp); PubMed 23913538 (cited by Labcorp Genetics (formerly Invitae), Labcorp); PubMed 19449407 (cited by Mayo Clinic Laboratories, Mayo Clinic and OMIM); PubMed 15948193 (cited by OMIM).